The following is an entry in ClinVar:

NM_001035.3(RYR2):c.12153G>A (p.Ala4051=)

Gene: RYR2 (ryanodine receptor 2; plus strand). Cytogenetic location: 1q43.
Variant type: single nucleotide variant.
Coding change: c.12153G>A on transcript NM_001035.3 (MANE Select); coding-DNA position 12153, G replaced by A.
Protein change: p.Ala4051=; no amino-acid change (alanine 4051 retained).
Molecular consequence: synonymous variant.
Genome position (GRCh38, 1-based): chr1:237,783,865, G>A. VCF-style: chr1-237783865-G-A. GRCh37 (hg19) VCF-style: chr1-237947165-G-A.
Other names: c.12153G>A (NM_001035.2).
Identifiers: ClinVar variation 928331 (VCV000928331.13), dbSNP rs768288201, ClinGen allele CA026530.

ClinVar aggregate classification (germline): Likely benign. Review status: criteria provided, multiple submitters, no conflicts (2 of 4 stars). 4 submissions from 4 submitters: Likely benign (4). Last evaluated 2026-02-19.

Conditions:
Catecholaminergic polymorphic ventricular tachycardia (CVPT). Also called: Catecholamine-induced polymorphic ventricular tachycardia. Identifiers: Orphanet 3286, MedGen C5574922, MONDO:0017990.
Cardiomyopathy (CMYO). Also called: Cardiomyopathies. Identifiers: Orphanet 167848, MedGen C0878544, MONDO:0004994, HP:0001638. Inheritance: Various modes of inheritance.
Cardiovascular phenotype. Identifiers: MedGen CN230736.
Catecholaminergic polymorphic ventricular tachycardia 1. Also called: VENTRICULAR TACHYCARDIA, STRESS-INDUCED POLYMORPHIC 1; VENTRICULAR TACHYCARDIA, CATECHOLAMINERGIC POLYMORPHIC, 1, WITH OR WITHOUT ATRIAL DYSFUNCTION AND/OR DILATED CARDIOMYOPATHY; RYR2-Related Catecholaminergic Polymorphic Ventricular Tachycardia. Identifiers: Orphanet 3286, MedGen C1631597, MONDO:0011484, OMIM 604772.

Allele frequency attached by ClinVar (database versions not stated): TOPMed below 0.00001; gnomAD 0.00001.
gnomAD v4.1: 13 of 1,613,674 alleles (0.00081%); highest among the groups gnomAD compares: Non-Finnish European, 0.0011%; no homozygotes.

Submissions (4):

Ambry Genetics
Classification: Likely benign for Cardiovascular phenotype. Last evaluated: 2026-02-19. Review status: criteria provided, single submitter. Criteria: Ambry Variant Classification Scheme 2023. Collection method: clinical testing. Allele origin: germline.

All of Us Research Program, National Institutes of Health
Classification: Likely benign for Catecholaminergic polymorphic ventricular tachycardia. Last evaluated: 2023-05-04. Review status: criteria provided, single submitter. Criteria: ACMG Guidelines, 2015. Collection method: clinical testing. Allele origin: germline. Inheritance: Autosomal dominant inheritance. Observed: 1 variant allele, 1 heterozygote.
Comment: This study involves interpretation of variants in research participants for the purpose of population health screening. Participant phenotype was not available at the time of variant classification. Additional details can be found in publication PMID: 35346344, PMCID: PMC8962531

Labcorp Genetics (formerly Invitae), Labcorp
Classification: Likely benign for Catecholaminergic polymorphic ventricular tachycardia 1. Last evaluated: 2022-03-28. Review status: criteria provided, single submitter. Criteria: Invitae Variant Classification Sherloc (09022015). Collection method: clinical testing. Allele origin: germline.

Color Diagnostics, LLC DBA Color Health
Classification: Likely benign for Cardiomyopathy. Last evaluated: 2019-01-20. Review status: criteria provided, single submitter. Criteria: ACMG Guidelines, 2015. Collection method: clinical testing. Allele origin: germline.